The following is an entry in ClinVar:

ClinVar aggregate classification (germline): Likely benign. Review status: criteria provided, multiple submitters, no conflicts (2 of 4 stars). 3 submissions from 3 submitters: Likely benign (3). Last evaluated 2023-03-30.

Conditions:
Dyskeratosis congenita, autosomal dominant 2. Identifiers: MedGen C3151443, MONDO:0013521, OMIM 613989.
Idiopathic Pulmonary Fibrosis. Also called: Idiopathic fibrosing alveolitis, chronic form; idiopathic fibrosing alveolitis. Identifiers: Orphanet 2032, MedGen C1800706, MeSH D054990, MONDO:0800504.
Dyskeratosis congenita. Identifiers: Orphanet 1775, MedGen C0265965, MONDO:0015780.

gnomAD v4.1: 2 of 1,613,970 alleles (0.00012%); highest among the groups gnomAD compares: Non-Finnish European, 0.00017%; no homozygotes.

Submissions (3):

Ambry Genetics
Classification: Likely benign for Dyskeratosis congenita. Last evaluated: 2023-03-30. Review status: criteria provided, single submitter. Criteria: Ambry Variant Classification Scheme 2023. Collection method: clinical testing. Allele origin: germline.

CeGaT Center for Human Genetics Tuebingen
Classification: Likely benign. Last evaluated: 2023-03-01. Review status: criteria provided, single submitter. Criteria: CeGaT Center For Human Genetics Tuebingen Variant Classification Criteria Version 2. Collection method: clinical testing. Allele origin: germline. Affected: yes. Observed: 1 variant allele.
Comment: TERT: BP4, BP7

Labcorp Genetics (formerly Invitae), Labcorp
Classification: Likely benign for Dyskeratosis congenita, autosomal dominant 2; Idiopathic Pulmonary Fibrosis. Last evaluated: 2022-12-07. Review status: criteria provided, single submitter. Criteria: Invitae Variant Classification Sherloc (09022015). Collection method: clinical testing. Allele origin: germline.

NM_198253.3(TERT):c.2655G>A (p.Arg885=)

Gene: TERT (telomerase reverse transcriptase; minus strand). Cytogenetic location: 5p15.33.
Variant type: single nucleotide variant.
Coding change: c.2655G>A on transcript NM_198253.3 (MANE Select); coding-DNA position 2655, G replaced by A.
Protein change: p.Arg885=; no amino-acid change (arginine 885 retained).
Molecular consequence: synonymous variant. On other transcripts: intron variant (1).
Genome position (GRCh38, 1-based): chr5:1,264,592, C>T on the plus strand (G>A on the coding strand, the complement: TERT is on the minus strand). VCF-style: chr5-1264592-C-T. GRCh37 (hg19) VCF-style: chr5-1264707-C-T.
Other names: c.2654+1872G>A (NM_001193376.3).
Identifiers: ClinVar variation 944108 (VCV000944108.34), dbSNP rs754372863, ClinGen allele CA443021794.
Genomic context (GRCh38, chr5:1,264,592, plus strand): 5'-CACCACTGTCTTCCGCAAGTTCACCACGCAGCCATACTCAGGGACACCTCGGACCAGGGT[C>T]CTAAGGCAGAGGGGCAATGTCAGCCCCAGGATGCGGGGCCGTCACCCAGGAGGTAACCTG-3'
Protein context (NP_937983.2, residues 875-895): PHLTHAKTFL[Arg885=]TLVRGVPEYG